The following is an entry in ClinVar:

ClinVar aggregate classification (germline): Pathogenic (1 of 4 stars; one submission).

Conditions:
Polycystic kidney disease, adult type (PKD1). Also called: POLYCYSTIC KIDNEY DISEASE 1 WITH OR WITHOUT POLYCYSTIC LIVER DISEASE; POLYCYSTIC KIDNEY DISEASE, ADULT, TYPE I; Polycystic Kidney Disease 1, Autosomal Dominant; Polycystic kidney disease 1; Polycystic kidney disease 1, severe; Polycystic Kidney, Autosomal Dominant. Identifiers: MedGen C3149841, MONDO:0008263, OMIM 173900.

Submission:

Women's Health and Genetics/Laboratory Corporation of America, LabCorp
Classification: Pathogenic for Polycystic kidney disease, adult type. Last evaluated: 2026-06-09. Review status: criteria provided, single submitter. Criteria: LabCorp Variant Classification Summary - May 2015. Collection method: clinical testing. Allele origin: germline.
Comment: Variant summary: PKD1 c.2471_2474delinsACT (p.Leu824HisfsX74) results in a premature termination codon, predicted to cause a truncation of the encoded protein or absence of the protein due to nonsense mediated decay, which are commonly known mechanisms for disease. The variant was absent in 1613524 control chromosomes. To our knowledge, no occurrence of c.2471_2474delinsACT in individuals affected with PKD1-related conditions and no experimental evidence demonstrating its impact on protein function have been reported. No submitters have cited clinical-significance assessments for this variant to ClinVar. Based on the evidence outlined above, the variant was classified as pathogenic.

NM_001009944.3(PKD1):c.2471_2474delinsACT (p.Leu824fs)

Gene: PKD1 (polycystin 1, transient receptor potential channel interacting; minus strand). Cytogenetic location: 16p13.3.
Variant type: Indel.
Coding change: c.2471_2474delinsACT on transcript NM_001009944.3 (MANE Select); coding-DNA positions 2471 to 2474, TGCG replaced by ACT.
Protein change: p.Leu824fs; shifts the reading frame from leucine 824.
Molecular consequence: frameshift variant.
Genome position (GRCh38, 1-based): chr16:2,114,549-2,114,552, CGCA replaced by AGT on the plus strand (TGCG replaced by ACT on the coding strand, the reverse complement: PKD1 is on the minus strand). VCF-style: chr16-2114549-CGCA-AGT. GRCh37 (hg19) VCF-style: chr16-2164550-CGCA-AGT.
Other names: c.2471_2474delinsACT, p.Leu824fs (NM_000296.4); short protein forms L824fs.
Identifiers: ClinVar variation 4887403 (VCV004887403.1).